The following is an entry in ClinVar:

ClinVar aggregate classification (germline): Likely benign. Review status: criteria provided, single submitter (1 of 4 stars). 2 submissions from 2 submitters: Likely benign (1). 1 of the submissions does not count toward it. Last evaluated 2026-09-01.

Conditions:
CHD1-related disorder. Also called: CHD1-related condition.

Allele frequency attached by ClinVar (database versions not stated): TOPMed 0.00100; ESP Exome Variant Server 0.00108; gnomAD 0.00127; ExAC 0.00196; 1000 Genomes Project 30x 0.00219; 1000 Genomes Project 0.00220.
gnomAD v4.1: 2,648 of 1,613,760 alleles (0.16%); highest among the groups gnomAD compares: South Asian, 0.61%; 15 homozygotes.

Submissions (2):

CeGaT Center for Human Genetics Tuebingen
Classification: Likely benign. Last evaluated: 2026-09-01. Review status: criteria provided, single submitter. Criteria: CeGaT Center For Human Genetics Tuebingen Variant Classification Criteria Version 2. Collection method: clinical testing. Allele origin: germline. Affected: yes. Observed: 11 variant alleles.
Comment: CHD1: BP4, BS2

PreventionGenetics, part of Exact Sciences
Classification: Benign for CHD1-related condition. Last evaluated: 2019-07-15. Review status: no assertion criteria provided. Collection method: clinical testing. Allele origin: germline. Not counted in ClinVar's aggregate classification.
Comment: This variant is classified as benign based on ACMG/AMP sequence variant interpretation guidelines (Richards et al. 2015 PMID: 25741868, with internal and published modifications).

NM_001270.4(CHD1):c.4949C>T (p.Thr1650Met)

Gene: CHD1 (chromodomain helicase DNA binding protein 1; minus strand). Cytogenetic location: 5q15.
Variant type: single nucleotide variant.
Coding change: c.4949C>T on transcript NM_001270.4 (MANE Select); coding-DNA position 4949, C replaced by T.
Protein change: p.Thr1650Met; replaces threonine 1650 with methionine.
Molecular consequence: missense variant. On other transcripts: non-coding transcript variant (2).
Genome position (GRCh38, 1-based): chr5:98,856,564, G>A on the plus strand (C>T on the coding strand, the complement: CHD1 is on the minus strand). VCF-style: chr5-98856564-G-A. GRCh37 (hg19) VCF-style: chr5-98192268-G-A.
Other names: c.5213C>T, p.Thr1738Met (NM_001364113.3); c.4949C>T, p.Thr1650Met (NM_001376194.2); c.4949C>T (NM_001270.2); short protein forms T1650M, T1738M.
Identifiers: ClinVar variation 2655604 (VCV002655604.25), dbSNP rs142842461, ClinGen allele CA3355533.